The following is an entry in ClinVar:

ClinVar aggregate classification (germline): Uncertain significance (1 of 4 stars; one submission).

Conditions:
PHIP-related disorder. Also called: PHIP-related disorders; PHIP-related condition.

Submission:

PreventionGenetics, part of Exact Sciences
Classification: Uncertain significance for PHIP-related condition. Last evaluated: 2025-02-08. Review status: criteria provided, single submitter. Criteria: ACMG Guidelines, 2015. Collection method: clinical testing. Allele origin: germline.
Comment: The PHIP c.3710C>T variant is predicted to result in the amino acid substitution p.Thr1237Ile. To our knowledge, this variant has not been reported in the literature or in a large population database (gnomAD), indicating this variant is rare. At this time, the clinical significance of this variant is uncertain due to the absence of conclusive functional and genetic evidence.

NM_017934.7(PHIP):c.3710C>T (p.Thr1237Ile)

Genes: IRAK1BP1 (interleukin 1 receptor associated kinase 1 binding protein 1; plus strand), PHIP (PHIP subunit of CUL4-Ring ligase complex; minus strand). Cytogenetic location: 6q14.1.
Variant type: single nucleotide variant.
Coding change: c.3710C>T on transcript NM_017934.7 (MANE Select); coding-DNA position 3710, C replaced by T.
Protein change: p.Thr1237Ile; replaces threonine 1237 with isoleucine.
Molecular consequence: missense variant.
Genome position (GRCh38, 1-based): chr6:78,958,547, G>A on the plus strand (C>T on the coding strand, the complement: PHIP is on the minus strand). VCF-style: chr6-78958547-G-A. GRCh37 (hg19) VCF-style: chr6-79668264-G-A.
Other names: short protein forms T1237I.
Identifiers: ClinVar variation 5000974 (VCV005000974.1).
Genomic context (GRCh38, chr6:78,958,547, plus strand): 5'-AGAAGAAGATCAGTCACGAATTTAGCAGATTTCACAATAGGGCTTCCAGGCTCATTAAAT[G>A]TTCGTGTATTATGCTCTATATATCGAACTTCCCACATTAGGGAAGAAACCCGCCTTAAAA-3'
Protein context (NP_060404.4, residues 1227-1247): EVRYIEHNTR[Thr1237Ile]FNEPGSPIVK